The following is an entry in ClinVar:

NM_152384.3(BBS5):c.600T>C (p.Ser200=)

Gene: BBS5 (Bardet-Biedl syndrome 5; plus strand). Cytogenetic location: 2q31.1.
Variant type: single nucleotide variant.
Coding change: c.600T>C on transcript NM_152384.3 (MANE Select); coding-DNA position 600, T replaced by C.
Protein change: p.Ser200=; no amino-acid change (serine 200 retained).
Molecular consequence: synonymous variant.
Genome position (GRCh38, 1-based): chr2:169,493,818, T>C. VCF-style: chr2-169493818-T-C. GRCh37 (hg19) VCF-style: chr2-170350328-T-C.
Other names: c.600T>C (NM_152384.2).
Identifiers: ClinVar variation 1591482 (VCV001591482.9), dbSNP rs1229922724, ClinGen allele CA429923262.

ClinVar aggregate classification (germline): Likely benign. Review status: criteria provided, single submitter (1 of 4 stars). 2 submissions from 2 submitters: Likely benign (1). 1 of the submissions does not count toward it. Last evaluated 2025-11-15.

Conditions:
Bardet-Biedl syndrome (BBS). Identifiers: Orphanet 110, MedGen C0752166, MONDO:0015229.
BBS5-related disorder. Also called: BBS5-related condition.

Allele frequency attached by ClinVar (database versions not stated): gnomAD exomes below 0.00001; gnomAD 0.00003.
gnomAD v4.1: 9 of 1,602,822 alleles (0.00056%); highest among the groups gnomAD compares: African/African-American, 0.012%; no homozygotes.

Submissions (2):

Labcorp Genetics (formerly Invitae), Labcorp
Classification: Likely benign for Bardet-Biedl syndrome. Last evaluated: 2025-11-15. Review status: criteria provided, single submitter. Criteria: Invitae Variant Classification Sherloc (09022015). Collection method: clinical testing. Allele origin: germline.

PreventionGenetics, part of Exact Sciences
Classification: Likely benign for BBS5-related condition. Last evaluated: 2021-02-16. Review status: no assertion criteria provided. Collection method: clinical testing. Allele origin: germline. Not counted in ClinVar's aggregate classification.
Comment: This variant is classified as likely benign based on ACMG/AMP sequence variant interpretation guidelines (Richards et al. 2015 PMID: 25741868, with internal and published modifications).